The following is an entry in ClinVar:

NM_004006.3(DMD):c.-8T>A

Gene: DMD (dystrophin; minus strand). Cytogenetic location: Xp21.1.
Variant type: single nucleotide variant.
Coding change: c.-8T>A on transcript NM_004006.3 (MANE Select); 8 bases upstream of the start codon, T replaced by A.
Molecular consequence: 5 prime UTR variant. On other transcripts: intron variant (1).
Genome position (GRCh38, 1-based): chrX:33,211,320, A>T on the plus strand (T>A on the coding strand, the complement: DMD is on the minus strand). VCF-style: chrX-33211320-A-T. GRCh37 (hg19) VCF-style: chrX-33229437-A-T.
Other names: c.7+127939T>A (NM_000109.4).
Identifiers: ClinVar variation 94419 (VCV000094419.19), dbSNP rs113726961, ClinGen allele CA285516.
Genomic context (GRCh38, chrX:33,211,320, plus strand): 5'-TTTTTAGTTACTTTGTACTTACAACAGTCCTCTACTTCTTCCCACCAAAGCATTTTGAAA[A>T]GTGTATATCAAGGCAGCGATAAAAAAAACCTGGTAAAAGTTCTTCAAACTTTATTGCTCC-3'

ClinVar aggregate classification (germline): Benign/Likely benign. Review status: criteria provided, multiple submitters, no conflicts (2 of 4 stars). 12 submissions from 12 submitters: Benign (10); Likely benign (1). 1 of the submissions does not count toward it. Last evaluated 2025-04-09.

Conditions:
Dystrophin deficiency.
Becker muscular dystrophy (BMD). Also called: MUSCULAR DYSTROPHY, PSEUDOHYPERTROPHIC PROGRESSIVE, BECKER TYPE; Becker Muscular Dystrophy (BMD). Identifiers: Orphanet 98895, MedGen C0917713, MONDO:0010311, OMIM 300376.
Cardiomyopathy (CMYO). Also called: Cardiomyopathies. Identifiers: Orphanet 167848, MedGen C0878544, MONDO:0004994, HP:0001638. Inheritance: Various modes of inheritance.
Duchenne muscular dystrophy (DMD). Also called: Duchenne Muscular Dystrophy (DMD); MUSCULAR DYSTROPHY, PSEUDOHYPERTROPHIC PROGRESSIVE, DUCHENNE TYPE. Identifiers: Orphanet 98896, MedGen C0013264, MONDO:0010679, OMIM 310200.
Dilated cardiomyopathy 3B (CMD3B). Also called: CMD3B: DMD-Related Dilated Cardiomyopathy; CARDIOMYOPATHY, DILATED, X-LINKED; DMD-Associated Dilated Cardiomyopathy. Identifiers: Orphanet 154, MedGen C3668940, MONDO:0010542, OMIM 302045.

Allele frequency attached by ClinVar (database versions not stated): gnomAD exomes 0.00664 and 0.00245; 1000 Genomes Project 30x 0.02227; gnomAD 0.02279 and 0.02450; ExAC 0.01009; 1000 Genomes Project 0.02119; TOPMed 0.02597; ESP Exome Variant Server 0.02851.
gnomAD v4.1: 5,422 of 1,206,900 alleles (0.45%); highest among the groups gnomAD compares: African/African-American, 8%; 158 homozygotes.

Submissions (12):

Molecular Diagnostic Laboratory for Inherited Cardiovascular Disease, Montreal Heart Institute
Classification: Benign. Last evaluated: 2025-04-09. Review status: criteria provided, single submitter. Criteria: ACMG Guidelines, 2015. Collection method: clinical testing. Allele origin: germline. Affected: no.

Blueprint Genetics
Classification: Likely benign. Last evaluated: 2024-11-28. Review status: criteria provided, single submitter. Criteria: ACMG Guidelines, 2015. Collection method: clinical testing. Allele origin: germline.

Athena Diagnostics
Classification: Benign. Last evaluated: 2023-11-28. Review status: criteria provided, single submitter. Criteria: Athena Diagnostics Criteria. Collection method: clinical testing. Allele origin: unknown.

Mayo Clinic Laboratories, Mayo Clinic
Classification: Benign. Last evaluated: 2023-01-30. Review status: criteria provided, single submitter. Criteria: ACMG Guidelines, 2015. Collection method: clinical testing. Allele origin: germline. Observed: 34 variant alleles.

Women's Health and Genetics/Laboratory Corporation of America, LabCorp
Classification: Benign. Last evaluated: 2018-07-19. Review status: criteria provided, single submitter. Criteria: LabCorp Variant Classification Summary - May 2015. Collection method: clinical testing. Allele origin: germline.
Comment: Variant summary: DMD c.-8T>A is located in the untranslated mRNA region upstream of the initiation codon. 5/5 computational tools predict no significant impact on normal splicing. However, these predictions have yet to be confirmed by functional studies. The variant allele was found at a frequency of 0.01 in 68568 control chromosomes, predominantly at a frequency of 0.081 within the African or African-American subpopulation in the ExAC database, including 22 homozygotes. The observed variant frequency within African or African-American control individuals in the ExAC database is approximately 7-fold of the estimated maximal expected allele frequency for a pathogenic variant in DMD causing Dystrophiopathies phenotype (0.011), strongly suggesting that the variant is a benign polymorphism found primarily in populations of African or African-American origin. To our knowledge, no occurrence of c.-8T>A in individuals affected with Dystrophiopathies and no experimental evidence demonstrating its impact on protein function have been reported. Three clinical diagnostic laboratories have submitted clinical-significance assessments for this variant to ClinVar after 2014 without evidence for independent evaluation. All laboratories classified the variant as benign/likely benign. Based on the evidence outlined above, the variant was classified as benign.

Illumina Laboratory Services, Illumina
Classification: Benign for Dilated cardiomyopathy 3B. Last evaluated: 2018-01-12. Review status: criteria provided, single submitter. Criteria: ICSL Variant Classification Criteria 13 December 2019. Collection method: clinical testing. Allele origin: germline.
Comment: This variant was observed in the ICSL laboratory as part of a predisposition screen in an ostensibly healthy population. It had not been previously curated by ICSL or reported in the Human Gene Mutation Database (HGMD: prior to June 1st, 2018), and was therefore a candidate for classification through an automated scoring system. Utilizing variant allele frequency, disease prevalence and penetrance estimates, and inheritance mode, an automated score was calculated to assess if this variant is too frequent to cause the disease. Based on the score and internal cut-off values, a variant classified as benign is not then subjected to further curation. The score for this variant resulted in a classification of benign for this disease.

Eurofins Ntd Llc (ga)
Classification: Benign. Last evaluated: 2016-01-25. Review status: criteria provided, single submitter. Criteria: EGL Classification Definitions 2015. Collection method: clinical testing. Allele origin: germline. Observed: 11 variant alleles, 4 heterozygotes, 2 homozygotes, 5 hemizygotes.

Laboratory for Molecular Medicine, Mass General Brigham Personalized Medicine
Classification: Benign. Last evaluated: 2015-01-13. Review status: criteria provided, single submitter. Criteria: LMM Criteria. Collection method: clinical testing. Allele origin: germline. Observed: 11 variant alleles.
Comment: c.-8T>A in exon 1 of DMD: This variant is not expected to have clinical signific ance because it has been identified in 7.8% (299/3833) of African American chrom osomes from a broad population by the NHLBI Exome Sequencing Project (.gs.washington.ed

GeneDx
Classification: Benign. Last evaluated: 2014-03-21. Review status: criteria provided, single submitter. Criteria: GeneDx Variant Classification (06012015). Collection method: clinical testing. Allele origin: germline. Affected: yes.
Comment: This variant is considered likely benign or benign based on one or more of the following criteria: it is a conservative change, it occurs at a poorly conserved position in the protein, it is predicted to be benign by multiple in silico algorithms, and/or has population frequency not consistent with disease.

Breakthrough Genomics
Classification: Benign. Review status: criteria provided, single submitter. Criteria: ACMG Guidelines, 2015. Collection method: not provided. Allele origin: germline. Inheritance: X-linked inheritance. Affected: yes.

PreventionGenetics, part of Exact Sciences
Classification: Benign. Review status: criteria provided, single submitter. Criteria: ACMG Guidelines, 2015. Collection method: clinical testing. Allele origin: germline.

Natera, Inc.
Classification: Benign for Becker muscular dystrophy; Cardiomyopathy; Duchenne muscular dystrophy; Dystrophin deficiency. Last evaluated: 2017-08-09. Review status: no assertion criteria provided. Collection method: clinical testing. Allele origin: germline. Not counted in ClinVar's aggregate classification.